The following is an entry in ClinVar:

ClinVar aggregate classification (germline): Likely pathogenic (1 of 4 stars; one submission).

Conditions:
Congenital hyperammonemia, type I. Also called: Carbamoyl phosphate synthetase I deficiency disease; Carbamoyl phosphate synthetase 1 deficiency; Hyperammonemia due to carbamoyl phosphate synthetase 1 deficiency; CPS 1 deficiency; Carbamyl phosphate synthetase (CPS) deficiency; Carbamoyl-phosphate synthase I deficiency. Identifiers: Orphanet 147, MedGen C4082171, MONDO:0009376, OMIM 237300.

Allele frequency attached by ClinVar (database versions not stated): gnomAD exomes below 0.00001.
gnomAD v4.1: 1 of 1,612,816 alleles (0.000062%); highest among the groups gnomAD compares: Non-Finnish European, 0.000085%; no homozygotes.

Submission:

Myriad Genetics, Inc.
Classification: Likely pathogenic for Congenital hyperammonemia, type I. Last evaluated: 2019-09-12. Review status: criteria provided, single submitter. Criteria: Myriad Women's Health Autosomal Recessive and X-Linked Classification Criteria (2019). Collection method: clinical testing. Allele origin: unknown.
Comment: NM_001875.4(CPS1):c.2853C>A(Y951*) is expected to be pathogenic in the context of carbamoylphosphate synthetase I deficiency. This variant is predicted to lead to an abnormal or absent protein product due to the creation of a premature termination codon in CPS1, a gene where loss-of-function variants are known to be pathogenic. Please note: this variant was assessed in the context of healthy population screening.

NM_001875.5(CPS1):c.2853C>A (p.Tyr951Ter)

Gene: CPS1 (carbamoyl-phosphate synthase 1; plus strand). Cytogenetic location: 2q34.
Variant type: single nucleotide variant.
Coding change: c.2853C>A on transcript NM_001875.5 (MANE Select); coding-DNA position 2853, C replaced by A.
Protein change: p.Tyr951Ter; replaces tyrosine 951 with a stop codon.
Molecular consequence: nonsense. On other transcripts: non-coding transcript variant (2).
Genome position (GRCh38, 1-based): chr2:210,639,173, C>A. VCF-style: chr2-210639173-C-A. GRCh37 (hg19) VCF-style: chr2-211503897-C-A.
Other names: c.2853C>A, p.Tyr951Ter (NM_001122633.3, NM_001369257.1); c.2886C>A, p.Tyr962Ter (NM_001369256.1); short protein forms Y951*, Y962*.
Identifiers: ClinVar variation 983630 (VCV000983630.3), dbSNP rs1028099185, ClinGen allele CA350431811.